The following is an entry in ClinVar:

ClinVar aggregate classification (germline): Likely benign (1 of 4 stars; one submission).

Allele frequency attached by ClinVar (database versions not stated): gnomAD exomes 0.00005; ExAC 0.00016; ESP Exome Variant Server 0.00054; gnomAD 0.00058; 1000 Genomes Project 0.00060; 1000 Genomes Project 30x 0.00062; TOPMed 0.00066.
gnomAD v4.1: 171 of 1,614,104 alleles (0.011%); highest among the groups gnomAD compares: African/African-American, 0.21%; no homozygotes.

Submission:

CeGaT Center for Human Genetics Tuebingen
Classification: Likely benign. Last evaluated: 2022-09-01. Review status: criteria provided, single submitter. Criteria: CeGaT Center For Human Genetics Tuebingen Variant Classification Criteria Version 2. Collection method: clinical testing. Allele origin: germline. Affected: yes. Observed: 1 variant allele.
Comment: STAB2: BP4

NM_017564.10(STAB2):c.5425G>C (p.Glu1809Gln)

Gene: STAB2 (stabilin 2; plus strand). Cytogenetic location: 12q23.3.
Variant type: single nucleotide variant.
Coding change: c.5425G>C on transcript NM_017564.10 (MANE Select); coding-DNA position 5425, G replaced by C.
Protein change: p.Glu1809Gln; replaces glutamic acid 1809 with glutamine.
Molecular consequence: missense variant.
Genome position (GRCh38, 1-based): chr12:103,733,147, G>C. VCF-style: chr12-103733147-G-C. GRCh37 (hg19) VCF-style: chr12-104126925-G-C.
Other names: short protein forms E1809Q.
Identifiers: ClinVar variation 2643251 (VCV002643251.24), dbSNP rs79381679, ClinGen allele CA6751744.